The following is an entry in ClinVar:

ClinVar aggregate classification (germline): Uncertain significance. Review status: criteria provided, multiple submitters, no conflicts (2 of 4 stars). 2 submissions from 2 submitters: Uncertain significance (2). Last evaluated 2024-08-01.

Submissions (2):

GeneDx
Classification: Uncertain significance. Last evaluated: 2024-08-01. Review status: criteria provided, single submitter. Criteria: GeneDx Variant Classification Process June 2021. Collection method: clinical testing. Allele origin: germline. Affected: yes.
Comment: Not observed at significant frequency in large population cohorts (gnomAD); In silico analysis supports that this missense variant has a deleterious effect on protein structure/function; Has not been previously published as pathogenic or benign to our knowledge

Labcorp Genetics (formerly Invitae), Labcorp
Classification: Uncertain significance. Last evaluated: 2024-04-16. Review status: criteria provided, single submitter. Criteria: Invitae Variant Classification Sherloc (09022015). Collection method: clinical testing. Allele origin: germline.
Comment: This sequence change replaces lysine, which is basic and polar, with threonine, which is neutral and polar, at codon 236 of the PLS3 protein (p.Lys236Thr). This variant is not present in population databases (gnomAD no frequency). This variant has not been reported in the literature in individuals affected with PLS3-related conditions. Advanced modeling of protein sequence and biophysical properties (such as structural, functional, and spatial information, amino acid conservation, physicochemical variation, residue mobility, and thermodynamic stability) performed at Invitae indicates that this missense variant is expected to disrupt PLS3 protein function with a positive predictive value of 80%. In summary, the available evidence is currently insufficient to determine the role of this variant in disease. Therefore, it has been classified as a Variant of Uncertain Significance.

NM_005032.7(PLS3):c.707A>C (p.Lys236Thr)

Gene: PLS3 (plastin 3; plus strand). Cytogenetic location: Xq23.
Variant type: single nucleotide variant.
Coding change: c.707A>C on transcript NM_005032.7 (MANE Select); coding-DNA position 707, A replaced by C.
Protein change: p.Lys236Thr; replaces lysine 236 with threonine.
Molecular consequence: missense variant.
Genome position (GRCh38, 1-based): chrX:115,635,005, A>C. VCF-style: chrX-115635005-A-C. GRCh37 (hg19) VCF-style: chrX-114869317-A-C.
Other names: c.707A>C, p.Lys236Thr (NM_001136025.5); c.626A>C, p.Lys209Thr (NM_001172335.3); c.641A>C, p.Lys214Thr (NM_001282337.2); c.572A>C, p.Lys191Thr (NM_001282338.2); short protein forms K191T, K209T, K214T, K236T.
Identifiers: ClinVar variation 3602326 (VCV003602326.3).